The following is an entry in ClinVar:

ClinVar aggregate classification (germline): Uncertain significance (1 of 4 stars; one submission).

Submission:

Labcorp Genetics (formerly Invitae), Labcorp
Classification: Uncertain significance. Last evaluated: 2025-04-17. Review status: criteria provided, single submitter. Criteria: Invitae Variant Classification Sherloc (09022015). Collection method: clinical testing. Allele origin: germline.
Comment: This sequence change replaces methionine, which is neutral and non-polar, with valine, which is neutral and non-polar, at codon 129 of the SLC10A2 protein (p.Met129Val). This variant is not present in population databases (gnomAD no frequency). This variant has not been reported in the literature in individuals affected with SLC10A2-related conditions. Invitae Evidence Modeling of protein sequence and biophysical properties (such as structural, functional, and spatial information, amino acid conservation, physicochemical variation, residue mobility, and thermodynamic stability) indicates that this missense variant is not expected to disrupt SLC10A2 protein function with a negative predictive value of 80%. In summary, the available evidence is currently insufficient to determine the role of this variant in disease. Therefore, it has been classified as a Variant of Uncertain Significance.

NM_000452.3(SLC10A2):c.385A>G (p.Met129Val)

Gene: SLC10A2 (solute carrier family 10 member 2; minus strand). Cytogenetic location: 13q33.1.
Variant type: single nucleotide variant.
Coding change: c.385A>G on transcript NM_000452.3 (MANE Select); coding-DNA position 385, A replaced by G.
Protein change: p.Met129Val; replaces methionine 129 with valine.
Molecular consequence: missense variant.
Genome position (GRCh38, 1-based): chr13:103,058,375, T>C on the plus strand (A>G on the coding strand, the complement: SLC10A2 is on the minus strand). VCF-style: chr13-103058375-T-C. GRCh37 (hg19) VCF-style: chr13-103710725-T-C.
Other names: short protein forms M129V.
Identifiers: ClinVar variation 4709515 (VCV004709515.1).